The following is an entry in ClinVar:

ClinVar aggregate classification (germline): Uncertain significance (1 of 4 stars; one submission).

Conditions:
Developmental and epileptic encephalopathy, 27 (DEE27). Also called: GRIN2B-Related Neurodevelopmental Disorder; Epileptic encephalopathy, early infantile, 27. Identifiers: Orphanet 3451, MedGen C4015316, MONDO:0014505, OMIM 616139.

Submission:

3billion
Classification: Uncertain significance for Developmental and epileptic encephalopathy, 27. Last evaluated: 2022-03-22. Review status: criteria provided, single submitter. Criteria: ACMG Guidelines, 2015. Collection method: clinical testing. Allele origin: germline. Affected: yes. Observed: 1 heterozygote.
Comment: It is not observed in the gnomAD v2.1.1 dataset. A different missense change at the same codon has been reported as pathogenic/likely pathogenic with strong evidence (ClinVar ID: VCV000143189, PMID:24863970). A missense variant is a common mechanism. Therefore, this variant is classified as uncertain significance according to the recommendation of ACMG/AMP guideline.

Literature cited by the submitters: PubMed 24863970.

NM_000834.5(GRIN2B):c.1237G>C (p.Glu413Gln)

Gene: GRIN2B (glutamate ionotropic receptor NMDA type subunit 2B; minus strand). Cytogenetic location: 12p13.1.
Variant type: single nucleotide variant.
Coding change: c.1237G>C on transcript NM_000834.5 (MANE Select); coding-DNA position 1237, G replaced by C.
Protein change: p.Glu413Gln; replaces glutamic acid 413 with glutamine.
Molecular consequence: missense variant.
Genome position (GRCh38, 1-based): chr12:13,616,546, C>G on the plus strand (G>C on the coding strand, the complement: GRIN2B is on the minus strand). VCF-style: chr12-13616546-C-G. GRCh37 (hg19) VCF-style: chr12-13769480-C-G.
Other names: short protein forms E413Q.
Identifiers: ClinVar variation 1526137 (VCV001526137.1), dbSNP rs1555112356, ClinGen allele CA384052642.